The following is an entry in ClinVar:

ClinVar aggregate classification (germline): Uncertain significance (1 of 4 stars; one submission).

Conditions:
Chédiak-Higashi syndrome (CHS). Also called: Chediak-Higashi Syndrome. Identifiers: Orphanet 167, MedGen C0007965, MONDO:0008963, OMIM 214500.

Allele frequency attached by ClinVar (database versions not stated): gnomAD exomes 0.00001; TOPMed 0.00001; ExAC 0.00002; gnomAD 0.00003; 1000 Genomes Project 30x 0.00016; 1000 Genomes Project 0.00020.
gnomAD v4.1: 13 of 1,613,470 alleles (0.00081%); highest among the groups gnomAD compares: East Asian, 0.027%; no homozygotes.

Submission:

Labcorp Genetics (formerly Invitae), Labcorp
Classification: Uncertain significance for Chédiak-Higashi syndrome. Last evaluated: 2021-08-24. Review status: criteria provided, single submitter. Criteria: Invitae Variant Classification Sherloc (09022015). Collection method: clinical testing. Allele origin: germline.
Comment: This sequence change replaces glutamine with arginine at codon 1121 of the LYST protein (p.Gln1121Arg). The glutamine residue is moderately conserved and there is a small physicochemical difference between glutamine and arginine. This variant is present in population databases (rs199934421, ExAC 0.02%). This variant has not been reported in the literature in individuals affected with LYST-related conditions. Algorithms developed to predict the effect of missense changes on protein structure and function are either unavailable or do not agree on the potential impact of this missense change (SIFT: "Tolerated"; PolyPhen-2: "Possibly Damaging"; Align-GVGD: "Class C0"). In summary, the available evidence is currently insufficient to determine the role of this variant in disease. Therefore, it has been classified as a Variant of Uncertain Significance.

NM_000081.4(LYST):c.3362A>G (p.Gln1121Arg)

Gene: LYST (lysosomal trafficking regulator; minus strand). Cytogenetic location: 1q42.3.
Variant type: single nucleotide variant.
Coding change: c.3362A>G on transcript NM_000081.4 (MANE Select); coding-DNA position 3362, A replaced by G.
Protein change: p.Gln1121Arg; replaces glutamine 1121 with arginine.
Molecular consequence: missense variant.
Genome position (GRCh38, 1-based): chr1:235,805,774, T>C on the plus strand (A>G on the coding strand, the complement: LYST is on the minus strand). VCF-style: chr1-235805774-T-C. GRCh37 (hg19) VCF-style: chr1-235969074-T-C.
Other names: c.3362A>G, p.Gln1121Arg (NM_001301365.1); short protein forms Q1121R.
Identifiers: ClinVar variation 1035448 (VCV001035448.6), dbSNP rs199934421, ClinGen allele CA1467099.